The following is an entry in ClinVar:

NM_003072.5(SMARCA4):c.651G>T (p.Met217Ile)

Gene: SMARCA4 (SWI/SNF related BAF chromatin remodeling complex subunit ATPase 4; plus strand). Cytogenetic location: 19p13.2.
Variant type: single nucleotide variant.
Coding change: c.651G>T on transcript NM_003072.5 (MANE Select); coding-DNA position 651, G replaced by T.
Protein change: p.Met217Ile; replaces methionine 217 with isoleucine.
Molecular consequence: missense variant. On other transcripts: non-coding transcript variant (1).
Genome position (GRCh38, 1-based): chr19:10,986,484, G>T. VCF-style: chr19-10986484-G-T. GRCh37 (hg19) VCF-style: chr19-11097160-G-T.
Other names: c.651G>T, p.Met217Ile (NM_001128844.3, NM_001128845.2, NM_001128846.2 and 6 more transcripts); short protein forms M217I.
Identifiers: ClinVar variation 4864757 (VCV004864757.1).

ClinVar aggregate classification (germline): Uncertain significance (1 of 4 stars; one submission).

Conditions:
Hereditary cancer-predisposing syndrome. Also called: Neoplastic Syndromes, Hereditary; Tumor predisposition; Hereditary Cancer Syndrome; Hereditary neoplastic syndrome. Identifiers: Orphanet 140162, MedGen C0027672, MeSH D009386, MONDO:0015356.

Submission:

Ambry Genetics
Classification: Uncertain significance for Hereditary cancer-predisposing syndrome. Last evaluated: 2026-04-11. Review status: criteria provided, single submitter. Criteria: Ambry Variant Classification Scheme 2023. Collection method: clinical testing. Allele origin: germline.
Comment: The p.M217I variant (also known as c.651G>T), located in coding exon 3 of the SMARCA4 gene, results from a G to T substitution at nucleotide position 651. The methionine at codon 217 is replaced by isoleucine, an amino acid with highly similar properties. This amino acid position is conserved. In addition, this alteration is predicted to be tolerated by in silico analysis. Based on the available evidence, the clinical significance of this variant remains unclear.